The following is an entry in ClinVar:

ClinVar aggregate classification (germline): Likely benign. Review status: criteria provided, multiple submitters, no conflicts (2 of 4 stars). 2 submissions from 2 submitters: Likely benign (2). Last evaluated 2025-06-08.

Conditions:
Multiple congenital exostosis (EXT). Also called: Hereditary multiple osteochondromas; MULTIPLE CARTILAGINOUS EXOSTOSES; Multiple exostoses; Multiple osteochondromas; Hereditary multiple exostoses; Hereditary multiple exostosis. Identifiers: Orphanet 321, MedGen C0015306, MONDO:0005508, HP:0002762.

Allele frequency attached by ClinVar (database versions not stated): ExAC 0.00003; gnomAD exomes 0.00003; gnomAD 0.00006 and 0.00005; TOPMed 0.00004.
gnomAD v4.1: 117 of 1,613,774 alleles (0.0073%); highest among the groups gnomAD compares: Non-Finnish European, 0.009%; no homozygotes.

Submissions (2):

Labcorp Genetics (formerly Invitae), Labcorp
Classification: Likely benign for Multiple congenital exostosis. Last evaluated: 2025-06-08. Review status: criteria provided, single submitter. Criteria: Invitae Variant Classification Sherloc (09022015). Collection method: clinical testing. Allele origin: germline.

Illumina Laboratory Services, Illumina
Classification: Likely benign for Exostoses, multiple, type 1. Last evaluated: 2018-01-12. Review status: criteria provided, single submitter. Criteria: ICSL Variant Classification Criteria 13 December 2019. Collection method: clinical testing. Allele origin: germline.
Comment: This variant was observed in the ICSL laboratory as part of a predisposition screen in an ostensibly healthy population. It had not been previously curated by ICSL or reported in the Human Gene Mutation Database (HGMD: prior to June 1st, 2018), and was therefore a candidate for classification through an automated scoring system. Utilizing variant allele frequency, disease prevalence and penetrance estimates, and inheritance mode, an automated score was calculated to assess if this variant is too frequent to cause the disease. Based on the score and internal cut-off values, a variant classified as likely benign is not then subjected to further curation. The score for this variant resulted in a classification of likely benign for this disease.

NM_000127.3(EXT1):c.1659C>T (p.Tyr553=)

Gene: EXT1 (exostosin glycosyltransferase 1; minus strand). Cytogenetic location: 8q24.11.
Variant type: single nucleotide variant.
Coding change: c.1659C>T on transcript NM_000127.3 (MANE Select); coding-DNA position 1659, C replaced by T.
Protein change: p.Tyr553=; no amino-acid change (tyrosine 553 retained).
Molecular consequence: synonymous variant.
Genome position (GRCh38, 1-based): chr8:117,812,935, G>A on the plus strand (C>T on the coding strand, the complement: EXT1 is on the minus strand). VCF-style: chr8-117812935-G-A. GRCh37 (hg19) VCF-style: chr8-118825174-G-A.
Identifiers: ClinVar variation 908082 (VCV000908082.11), dbSNP rs757115396, ClinGen allele CA4854056.